The following is an entry in ClinVar:

NM_018026.4(PACS1):c.1651C>G (p.Gln551Glu)

Gene: PACS1 (phosphofurin acidic cluster sorting protein 1; plus strand). Cytogenetic location: 11q13.2.
Variant type: single nucleotide variant.
Coding change: c.1651C>G on transcript NM_018026.4 (MANE Select); coding-DNA position 1651, C replaced by G.
Protein change: p.Gln551Glu; replaces glutamine 551 with glutamic acid.
Molecular consequence: missense variant.
Genome position (GRCh38, 1-based): chr11:66,232,196, C>G. VCF-style: chr11-66232196-C-G. GRCh37 (hg19) VCF-style: chr11-65999667-C-G.
Other names: short protein forms Q551E.
Identifiers: ClinVar variation 4075592 (VCV004075592.1).

ClinVar aggregate classification (germline): Uncertain significance (1 of 4 stars; one submission).

Submission:

GeneDx
Classification: Uncertain significance. Last evaluated: 2025-02-15. Review status: criteria provided, single submitter. Criteria: GeneDx Variant Classification Process June 2021. Collection method: clinical testing. Allele origin: germline. Affected: yes.
Comment: Not observed at significant frequency in large population cohorts (gnomAD); In silico analysis supports that this missense variant has a deleterious effect on protein structure/function; Has not been previously published as pathogenic or benign to our knowledge